The following is an entry in ClinVar:

ClinVar aggregate classification (germline): Pathogenic. Review status: criteria provided, multiple submitters, no conflicts (2 of 4 stars). 10 submissions from 10 submitters: Pathogenic (9). 1 of the submissions does not count toward it. Last evaluated 2025-05-12.

Conditions:
Paragangliomas with sensorineural hearing loss. Identifiers: MedGen C1868633.
Carney-Stratakis syndrome. Also called: PARAGANGLIOMA AND GASTROINTESTINAL STROMAL TUMOR. Identifiers: Orphanet 97286, MedGen C1847319, MONDO:0011740, OMIM 606864.
Cowden syndrome 3 (CWS3). Identifiers: Orphanet 201, MedGen CN166604, MONDO:0014045.
Pheochromocytoma. Also called: MAX-Related Hereditary Paraganglioma-Pheochromocytoma Syndrome. Identifiers: Orphanet 29072, MedGen C0031511, MONDO:0008233, OMIM 171300, HP:0002666.
Mitochondrial complex 2 deficiency, nuclear type 3. Also called: MITOCHONDRIAL COMPLEX II DEFICIENCY, NUCLEAR TYPE 3. Identifiers: MedGen C5436934, MONDO:0030937, OMIM 619167.
Pheochromocytoma/paraganglioma syndrome 1. Also called: SDHD-Related Hereditary Paraganglioma-Pheochromocytoma Syndrome; PARAGANGLIOMAS, FAMILIAL NONCHROMAFFIN, 1; PGL 1; Paragangliomas familial 1; PARAGANGLIOMATA; Glomus tumors familial 1. Identifiers: Orphanet 29072, MedGen C3494181, MONDO:0008192, OMIM 168000.
Hereditary cancer-predisposing syndrome. Also called: Hereditary neoplastic syndrome; Hereditary Cancer Syndrome; Neoplastic Syndromes, Hereditary; Tumor predisposition. Identifiers: Orphanet 140162, MedGen C0027672, MeSH D009386, MONDO:0015356.

Submissions (10):

Labcorp Genetics (formerly Invitae), Labcorp
Classification: Pathogenic for Carney-Stratakis syndrome; Paragangliomas with sensorineural hearing loss; Pheochromocytoma; Cowden syndrome 3. Last evaluated: 2025-05-12. Review status: criteria provided, single submitter. Criteria: Invitae Variant Classification Sherloc (09022015). Collection method: clinical testing. Allele origin: germline.
Comment: This sequence change creates a premature translational stop signal (p.Asp113Metfs*21) in the SDHD gene. While this is not anticipated to result in nonsense mediated decay, it is expected to disrupt the last 47 amino acid(s) of the SDHD protein. This variant is not present in population databases (gnomAD no frequency). This premature translational stop signal has been observed in individuals with paragangliomas and/or pheochromocytomas (PMID: 12111639, 17848412, 21348866, 22517554, 27539324). It has also been observed to segregate with disease in related individuals. This variant is also known as 13732delGACT. ClinVar contains an entry for this variant (Variation ID: 6912). For these reasons, this variant has been classified as Pathogenic.

ARUP Laboratories, Molecular Genetics and Genomics, ARUP Laboratories
Classification: Pathogenic. Last evaluated: 2025-04-24. Review status: criteria provided, single submitter. Criteria: ARUP Molecular Germline Variant Investigation Process 2024. Collection method: clinical testing. Allele origin: germline.
Comment: The SDHD c.337_340del; p.Asp113MetfsTer21 variant (rs587776648, ClinVar Variation ID: 6912) is reported in the literature in individuals and families affected with phaeochromocytomas and/or paragangliomas (Cascon 2002, Heesterman 2018, Hensen 2012, Huang 2018, Lima 2007, Pandit 2016). This variant is absent from the Genome Aggregation Database (v2.1.1), indicating it is not a common polymorphism. This variant results in a premature termination codon in the last exon of the SDHD gene. While this may not lead to nonsense-mediated decay, it is expected to create a truncated protein. Additionally, several downstream truncating variants have been described in individuals with paragangliomas and are considered pathogenic (Baysal 2002). Based on available information, this variant is considered to be pathogenic. References: Baysal BE et al. Prevalence of SDHB, SDHC, and SDHD germline mutations in clinic patients with head and neck paragangliomas. J Med Genet. 2002 Mar;39(3):178-83. PMID: 11897817. Cascon A et al. Identification of novel SDHD mutations in patients with phaeochromocytoma and/or paraganglioma. Eur J Hum Genet. 2002 Aug;10(8):457-61. PMID: 12111639. Heesterman BL et al. Clinical progression and metachronous paragangliomas in a large cohort of SDHD germline variant carriers. Eur J Hum Genet. 2018 Sep;26(9):1339-1347. PMID: 29777207. Hensen EF et al. High prevalence of founder mutations of the succinate dehydrogenase genes in the Netherlands. Clin Genet. 2012 Mar;81(3):284-8. PMID: 21348866. Huang Y et al. Germline SDHB and SDHD mutations in pheochromocytoma and paraganglioma patients. Endocr Connect. 2018 Dec 1;7(12):1217-1225. PMID: 30352407. Lima J et al. High frequency of germline succinate dehydrogenase mutations in sporadic cervical paragangliomas in northern Spain: mitochondrial succinate dehydrogenase structure-function relationships and clinical-pathological correlations. J Clin Endocrinol Metab. 2007 Dec;92(12):4853-64. PMID: 17848412. Pandit R et al. Germline mutations and genotype-phenotype correlation in Asian Indian patients with pheochromocytoma and paraganglioma. Eur J Endocrinol. 2016 Oct;175(4):311-23. PMID: 27539324.

Center for Genomic Medicine, Rigshospitalet, Copenhagen University Hospital
Classification: Pathogenic. Last evaluated: 2025-03-04. Review status: criteria provided, single submitter. Criteria: ACMG Guidelines, 2015. Collection method: clinical testing. Allele origin: germline.

Molecular Diagnostics Laboratory, Catalan Institute of Oncology
Classification: Pathogenic for Hereditary cancer-predisposing syndrome. Last evaluated: 2025-02-05. Review status: criteria provided, single submitter. Criteria: ACMG Guidelines, 2015. Collection method: clinical testing. Allele origin: germline.
Comment: PVS1_Strong, PS4_Strong, PP1_Strong, PM2_Supporting c.337_340del, located in exon 4 of the SDHD gene, consists in the deletion of 4 nucleotides, causing a translational frameshift with a predicted alternate stop codon (p.(Asp113Metfs*21)), losing 16% of the protein (>10%, PVS1_Strong). It is not present in the population database gnomAD v2.1.1, non cancer dataset (PM2_Supporting). The SpliceAI algorithm predicts no significant impact on splicing. his variant has been identified in several patients from different independent families cosegregating with clinical features of paraganglioma (PMID: 12111639, PMID: 15905695, PMID: 22517554, PMID: 17848412 among others and internal data)(PS4_Strong, PP1_Strong).In addition, multiple clinical databases (ClinVar (7x), LOVD(6x)) classified this variant as pathogenic. T Based on currently available information, the variant c.337_340del is classified as a pathogenic variant according to ACMG guidelines.

Ambry Genetics
Classification: Pathogenic for Hereditary cancer-predisposing syndrome. Last evaluated: 2024-11-07. Review status: criteria provided, single submitter. Criteria: Ambry Variant Classification Scheme 2023. Collection method: clinical testing. Allele origin: germline.
Comment: The c.337_340delGACT pathogenic mutation, located in coding exon 4 of the SDHD gene, results from a deletion of 4 nucleotides at nucleotide positions 337 to 340, causing a translational frameshift with a predicted alternate stop codon (p.D113Mfs*21). This alteration occurs at the 3' terminus of theSDHD gene, is not expected to trigger nonsense-mediated mRNA decay, and only impacts the last 29% of the protein. However, premature stop codons are typically deleterious in nature and the impacted region is critical for protein function (Ambry internal data). This variant has been reported in multiple individuals diagnosed with paragangliomas and/or pheochromocytomas (Cascon A et al. Eur J Hum Genet, 2002 Aug;10:457-61; Neumann HP et al. JAMA, 2004 Aug;292:943-51; Amar L et al. J Clin Oncol, 2005 Dec;23:8812-8; Velasco A et al. Diagn Mol Pathol, 2005 Jun;14:109-14; Benn DE et al. J Clin Endocrinol Metab, 2006 Mar;91:827-36; Castellano M et al. Ann N Y Acad Sci, 2006 Aug;1073:156-65; Lima J et al. J Clin Endocrinol Metab, 2007 Dec;92:4853-64; Sevilla MA et al. Otolaryngol Head Neck Surg, 2009 May;140:724-9; Hermsen MA et al. Cell Oncol, 2010 Jan;32:275-83; Hensen EF et al. Clin Genet, 2012 Mar;81:284-8; Lefebvre S et al. Horm Metab Res, 2012 May;44:334-8; Pai R et al. APMIS, 2014 Nov;122:1130-5; Pandit R et al. Eur J Endocrinol, 2016 Oct;175:311-23). This variant is also referred to as SDHD 13732delGACT and SDHD c.334_337delACTG in published literature. Based on the supporting evidence, this alteration is interpreted as a disease-causing mutation.

Myriad Genetics, Inc.
Classification: Pathogenic for Pheochromocytoma/paraganglioma syndrome 1. Last evaluated: 2023-04-17. Review status: criteria provided, single submitter. Criteria: Myriad Autosomal Dominant, Autosomal Recessive and X-Linked Classification Criteria (2023). Collection method: clinical testing. Allele origin: unknown.
Comment: This variant is considered pathogenic. This variant creates a frameshift predicted to result in premature protein truncation.

Fulgent Genetics
Classification: Pathogenic for Pheochromocytoma/paraganglioma syndrome 1; Pheochromocytoma; Carney-Stratakis syndrome; Mitochondrial complex 2 deficiency, nuclear type 3. Last evaluated: 2021-09-06. Review status: criteria provided, single submitter. Criteria: ACMG Guidelines, 2015. Collection method: clinical testing. Allele origin: unknown.

GeneDx
Classification: Pathogenic. Last evaluated: 2018-04-16. Review status: criteria provided, single submitter. Criteria: GeneDx Variant Classification (06012015). Collection method: clinical testing. Allele origin: germline. Affected: yes.
Comment: This deletion of four nucleotides in SDHD is denoted c.337_340delGACT at the cDNA level and p.Asp113MetfsX21 (D113MfsX21) at the protein level. The normal sequence, with the bases that are deleted in brackets, is TACT[delGACT]ATGT. The deletion causes a frameshift, which changes an Aspartic Acid to a Methionine at codon 113, and creates a premature stop codon at position 21 of the new reading frame. This variant is predicted to cause loss of normal protein function through protein truncation as the last 47 amino acids are no longer translated. The disrupted region includes the helical transmembrane topological domain and the ubiquinone binding site (UniProt). This variant, also known as SDHD c.334_337delACTG, is a recurrent variant that has been reported in many individuals with early-onset and/or multiple paragangliomas/pheochromocytomas, and has been shown to track with disease in several families (Cascon 2002, Velasco 2005, Benn 2006, Lima 2007, Hermsen 2010, Lefebvre 2012). Paragangliomas from individuals carrying this variant have demonstrated loss of SDHB by IHC, and functional assays have shown that this variant results in a significant reduction of SDH enzyme activity and SDHB protein expression (Rapizzi 2012, Pai 2014). We consider this variant to be pathogenic. Of note, variants in the SDHD gene exhibit a parent-of-origin effect and, if shown to be pathogenic, typically cause symptoms only if inherited from the father.

Juno Genomics, Hangzhou Juno Genomics, Inc
Classification: Pathogenic for Pheochromocytoma/paraganglioma syndrome 1. Review status: criteria provided, single submitter. Criteria: ACMG Guidelines, 2015. Collection method: clinical testing. Allele origin: germline.
Comment: Absent from controls (or at extremely low frequency if recessive) in Genome Aggregation Database.;Null variant in a gene where loss of function (LOF) is a known mechanism of disease.;The prevalence of the variant in affected individuals is significantly increased compared to the prevalence in controls.;Co-segregation with disease in multiple affected family members.

OMIM
Classification: Pathogenic for PHEOCHROMOCYTOMA/PARAGANGLIOMA SYNDROME 1. Last evaluated: 2002-08-01. Review status: no assertion criteria provided. Collection method: literature only. Allele origin: germline. Not counted in ClinVar's aggregate classification.

Literature cited by the submitters: PubMed 12111639 (cited by 3 submitters); PubMed 17848412 (cited by Labcorp Genetics (formerly Invitae), Labcorp and Ambry Genetics); PubMed 21348866 (cited by Labcorp Genetics (formerly Invitae), Labcorp and Ambry Genetics); PubMed 22517554 (cited by Labcorp Genetics (formerly Invitae), Labcorp and Ambry Genetics); PubMed 27539324 (cited by Labcorp Genetics (formerly Invitae), Labcorp and Ambry Genetics); PubMed 34939938 (cited by Center for Genomic Medicine, Rigshospitalet, Copenhagen University Hospital); PubMed 23586964 (cited by Center for Genomic Medicine, Rigshospitalet, Copenhagen University Hospital); PubMed 15328326 (cited by Ambry Genetics); PubMed 15905695 (cited by Ambry Genetics); PubMed 16314641 (cited by Ambry Genetics); PubMed 16317055 (cited by Ambry Genetics); PubMed 17102082 (cited by Ambry Genetics); PubMed 19393419 (cited by Ambry Genetics); PubMed 20208144 (cited by Ambry Genetics); PubMed 24735130 (cited by Ambry Genetics).

NM_003002.4(SDHD):c.337_340del (p.Asp113fs)

Gene: SDHD (succinate dehydrogenase complex subunit D; plus strand). Cytogenetic location: 11q23.1.
Variant type: Deletion.
Coding change: c.337_340del on transcript NM_003002.4 (MANE Select); coding-DNA positions 337 to 340, 4 bases deleted (GACT; older notation c.337_340delGACT).
Protein change: p.Asp113fs; shifts the reading frame from aspartic acid 113.
Molecular consequence: frameshift variant. On other transcripts: 3 prime UTR variant (1), non-coding transcript variant (1).
Genome position (GRCh38, 1-based): chr11:112,094,827-112,094,830, GACT deleted; deleting any 4 consecutive bases within chr11:112,094,824-112,094,830 gives the same sequence; the c. name uses the placement nearest the transcript's 3' end. VCF-style (leftmost placement, unchanged base first): chr11-112094823-TACTG-T. GRCh37 (hg19) VCF-style: chr11-111965547-TACTG-T.
Other names: c.337_340delGACT (NM_003002.4); c.192_195del, p.Thr65fs (NM_001276503.2); c.220_223del, p.Asp74fs (NM_001276504.2); c.*35_*38del (NM_001276506.2); c.337_340del (NM_003002.3); short protein forms D113fs, D74fs, T65fs.
Identifiers: ClinVar variation 6912 (VCV000006912.29), dbSNP rs587776648, ClinGen allele CA016955.